The following is an entry in ClinVar:

ClinVar aggregate classification (germline): Pathogenic/Likely pathogenic. Review status: criteria provided, multiple submitters, no conflicts (2 of 4 stars). 7 submissions from 6 submitters: Pathogenic (5); Likely pathogenic (1). 1 of the submissions does not count toward it. Last evaluated 2026-09-05.

Conditions:
RASopathy. Also called: Noonan spectrum disorder; rasopathies. Identifiers: Orphanet 536391, MedGen C5555857, MONDO:0021060.
Deficiency of aromatic-L-amino-acid decarboxylase. Also called: AADC DEFICIENCY; DDC DEFICIENCY; DOPA DECARBOXYLASE DEFICIENCY; Aromatic L-Amino Acid Decarboxylase Deficiency; Aromatic amino acid decarboxylase deficiency. Identifiers: Orphanet 35708, MedGen C1291564, MONDO:0012084, OMIM 608643.

Allele frequency attached by ClinVar (database versions not stated): gnomAD 0.00001 and 0.00002; gnomAD exomes 0.00001; TOPMed 0.00001; ExAC 0.00002; 1000 Genomes Project 0.00020; 1000 Genomes Project 30x 0.00031.
gnomAD v4.1: 13 of 1,613,664 alleles (0.00081%); highest among the groups gnomAD compares: African/African-American, 0.0027%; no homozygotes.

Submissions (7):

GeneDx
Classification: Likely pathogenic. Last evaluated: 2026-09-05. Review status: criteria provided, single submitter. Criteria: GeneDx Variant Classification Process June 2021. Collection method: clinical testing. Allele origin: germline.
Comment: Reported previously in multiple patients with features of AADC deficiency who also harbored a second variant, phase unknown (PMID: 31975548, 18567514, 28856607); In silico analysis is inconclusive as to whether the variant alters gene splicing. In the absence of RNA/functional studies, the actual effect of this sequence change is unknown.; In silico analysis supports that this missense variant has a deleterious effect on protein structure/function; Not observed at significant frequency in large population cohorts (gnomAD); This variant is associated with the following publications: (PMID: 25525159, 41724580, 32369189, 33176815, 32409695, 18567514, 28856607, 24865461, 37286773, 37348148, 37701332, 36427457, 31975548)

Labcorp Genetics (formerly Invitae), Labcorp
Classification: Pathogenic for Deficiency of aromatic-L-amino-acid decarboxylase. Last evaluated: 2025-03-30. Review status: criteria provided, single submitter. Criteria: Invitae Variant Classification Sherloc (09022015). Collection method: clinical testing. Allele origin: germline.
Comment: This sequence change replaces arginine, which is basic and polar, with tryptophan, which is neutral and slightly polar, at codon 412 of the DDC protein (p.Arg412Trp). This variant is present in population databases (rs542063660, gnomAD 0.01%). This missense change has been observed in individual(s) with aromatic L-amino acid decarboxylase deficiency (PMID: 18567514, 28856607, 31975548). ClinVar contains an entry for this variant (Variation ID: 1068764). Invitae Evidence Modeling of protein sequence and biophysical properties (such as structural, functional, and spatial information, amino acid conservation, physicochemical variation, residue mobility, and thermodynamic stability) indicates that this missense variant is expected to disrupt DDC protein function with a positive predictive value of 80%. Experimental studies have shown that this missense change affects DDC function (PMID: 24865461). Algorithms developed to predict the effect of sequence changes on RNA splicing suggest that this variant may disrupt the consensus splice site. For these reasons, this variant has been classified as Pathogenic.

Fulgent Genetics
Classification: Pathogenic for Deficiency of aromatic-L-amino-acid decarboxylase. Last evaluated: 2024-03-11. Review status: criteria provided, single submitter. Criteria: ACMG Guidelines, 2015. Collection method: clinical testing. Allele origin: germline.

Women's Health and Genetics/Laboratory Corporation of America, LabCorp
Classification: Pathogenic for Deficiency of aromatic-L-amino-acid decarboxylase. Last evaluated: 2024-03-11. Review status: criteria provided, single submitter. Criteria: LabCorp Variant Classification Summary - May 2015. Collection method: clinical testing. Allele origin: germline.
Comment: Variant summary: DDC c.1234C>T (p.Arg412Trp) results in a non-conservative amino acid change in the encoded protein sequence. Four of five in-silico tools predict a damaging effect of the variant on protein function. The variant allele was found at a frequency of 1.2e-05 in 251426 control chromosomes (gnomAD). c.1234C>T has been reported in the literature in multiple individuals affected with Deficiency Of Aromatic-L-Amino-Acid Decarboxylase (e.g. Wen_2020). These data indicate that the variant is very likely to be associated with disease. At least one publication reports experimental evidence evaluating an impact on protein function (Montioli_2014), finding that the variant results in <10% of normal decarboxylase activity. The following publications have been ascertained in the context of this evaluation (PMID: 32409695, 24865461). ClinVar contains an entry for this variant (Variation ID: 1068764). Based on the evidence outlined above, the variant was classified as pathogenic.

Women's Health and Genetics/Laboratory Corporation of America, LabCorp
Classification: Pathogenic for RASopathy. Last evaluated: 2024-03-11. Review status: criteria provided, single submitter. Criteria: LabCorp Variant Classification Summary - May 2015. Collection method: clinical testing. Allele origin: germline.
Comment: Variant summary: LZTR1 c.1234C>T (p.Arg412Cys) results in a non-conservative amino acid change in the encoded protein sequence. Four of five in-silico tools predict a damaging effect of the variant on protein function. The variant allele was found at a frequency of 4.2e-06 in 238628 control chromosomes. The available data on variant occurrences in the general population are insufficient to allow any conclusion about variant significance. Therefore, this information does not provide unequivocal conclusions about association of the variant with Noonan Syndrome. To our knowledge, no reports of c.1234C>T in individuals affected with Noonan Syndrome and no experimental evidence demonstrating an impact on protein function have been published in the literature. Three other clinical diagnostic laboratories have submitted clinical-significance assessments for this variant to ClinVar after 2014 without evidence for independent evaluation. All laboratories cited the variant as uncertain significance. Based on the evidence outlined above, the variant was classified as uncertain significance.

Juno Genomics, Hangzhou Juno Genomics, Inc
Classification: Pathogenic for Deficiency of aromatic-L-amino-acid decarboxylase. Review status: criteria provided, single submitter. Criteria: ACMG Guidelines, 2015. Collection method: clinical testing. Allele origin: germline. Affected: yes.
Comment: Absent from controls (or at extremely low frequency if recessive) in Genome Aggregation Database.;Multiple lines of computational evidence support a deleterious effect on the gene or gene product.;For recessive disorders, detected in trans with a pathogenic variant.;Patient's phenotype or family history is highly specific for a disease with a single genetic etiology.

Clinical Laboratory Sciences Program (CLSP), King Saud bin Abdulaziz University for Health Sciences (KSAU-HS)
Classification: Likely pathogenic for Deficiency of aromatic-L-amino-acid decarboxylase. Last evaluated: 2023-04-01. Review status: no assertion criteria provided. Collection method: clinical testing. Allele origin: germline. Affected: yes. Not counted in ClinVar's aggregate classification.

Literature cited by the submitters: PubMed 18567514 (cited by Labcorp Genetics (formerly Invitae), Labcorp); PubMed 28856607 (cited by Labcorp Genetics (formerly Invitae), Labcorp); PubMed 31975548 (cited by Labcorp Genetics (formerly Invitae), Labcorp); PubMed 24865461 (cited by Labcorp Genetics (formerly Invitae), Labcorp and Women's Health and Genetics/Laboratory Corporation of America, LabCorp); PubMed 32409695 (cited by Women's Health and Genetics/Laboratory Corporation of America, LabCorp).

NM_001082971.2(DDC):c.1234C>T (p.Arg412Trp)

Gene: DDC (dopa decarboxylase; minus strand). Cytogenetic location: 7p12.2.
Variant type: single nucleotide variant.
Coding change: c.1234C>T on transcript NM_001082971.2 (MANE Select); coding-DNA position 1234, C replaced by T.
Protein change: p.Arg412Trp; replaces arginine 412 with tryptophan.
Molecular consequence: missense variant.
Genome position (GRCh38, 1-based): chr7:50,467,222, G>A on the plus strand (C>T on the coding strand, the complement: DDC is on the minus strand). VCF-style: chr7-50467222-G-A. GRCh37 (hg19) VCF-style: chr7-50534920-G-A.
Other names: c.1234C>T, p.Arg412Trp (NM_000790.4); c.1120C>T, p.Arg374Trp (NM_001242886.2); c.1090C>T, p.Arg364Trp (NM_001242887.2); c.1000C>T, p.Arg334Trp (NM_001242888.2); c.955C>T, p.Arg319Trp (NM_001242889.2); c.1234C>T (NM_000790.3); short protein forms R319W, R334W, R364W, R374W, R412W.
Identifiers: ClinVar variation 1068764 (VCV001068764.31), dbSNP rs542063660, ClinGen allele CA4262023.
Genomic context (GRCh38, chr7:50,467,222, plus strand): 5'-TCCCCTCTGTCACATTCACAGAAAATGAAGAATGGAATAGATGTAGACAAACCTTTAGCC[G>A]AAAGCAGACAAGCCCCAGAATGACTTCCACACAGATTTCAAAGCGGGGATCCTGGCGCAC-3'
Protein context (NP_001076440.2, residues 402-422): VEVILGLVCF[Arg412Trp]LKGSNKVNEA